The following is an entry in ClinVar:

ClinVar aggregate classification (germline): Uncertain significance (1 of 4 stars; one submission).

Allele frequency attached by ClinVar (database versions not stated): gnomAD exomes below 0.00001; gnomAD 0.00001; TOPMed 0.00001.
gnomAD v4.1: 5 of 1,613,504 alleles (0.00031%); highest among the groups gnomAD compares: Admixed American, 0.0033%; no homozygotes.

Submission:

GeneDx
Classification: Uncertain significance. Last evaluated: 2022-12-16. Review status: criteria provided, single submitter. Criteria: GeneDx Variant Classification Process June 2021. Collection method: clinical testing. Allele origin: germline. Affected: yes.
Comment: Reported previously as a likely benign variant in an individual with severe obesity; however, this variant was also noted in a public database and in a normal weight control sample (da Fonseca et al., 2022); Not observed at significant frequency in large population cohorts (gnomAD); In silico analysis supports that this missense variant does not alter protein structure/function; This variant is associated with the following publications: (PMID: 36436143)

NM_001387430.1(SH2B1):c.1540G>C (p.Glu514Gln)

Gene: SH2B1 (SH2B adaptor protein 1; plus strand). Cytogenetic location: 16p11.2.
Variant type: single nucleotide variant.
Coding change: c.1540G>C on transcript NM_001387430.1 (MANE Select); coding-DNA position 1540, G replaced by C.
Protein change: p.Glu514Gln; replaces glutamic acid 514 with glutamine.
Molecular consequence: missense variant.
Genome position (GRCh38, 1-based): chr16:28,872,216, G>C. VCF-style: chr16-28872216-G-C. GRCh37 (hg19) VCF-style: chr16-28883537-G-C.
Other names: c.1540G>C, p.Glu514Gln (NM_001145795.2, NM_001145796.2, NM_001145797.2 and 4 more transcripts); c.532G>C, p.Glu178Gln (NM_001308294.2); short protein forms E178Q, E514Q.
Identifiers: ClinVar variation 2505624 (VCV002505624.1), dbSNP rs893059694, ClinGen allele CA279222740.
Genomic context (GRCh38, chr16:28,872,216, plus strand): 5'-CACCCCGGTTTCCCTCCCTCTCTCCTTCCTGAAGGGTCCTTCCTGTTCCAGGGGGAGCCA[G>C]AGGGCGGTGAGGGGGACCAGCCCCTCTCAGGGTATCCTTGGTTCCACGGGATGCTCTCTC-3'
Protein context (NP_001374359.1, residues 504-524): TGSFLFQGEP[Glu514Gln]GGEGDQPLSG